The following is an entry in ClinVar:

NM_005732.4(RAD50):c.1747A>T (p.Lys583Ter)

Gene: RAD50 (RAD50 double strand break repair protein; plus strand). Cytogenetic location: 5q31.1.
Variant type: single nucleotide variant.
Coding change: c.1747A>T on transcript NM_005732.4 (MANE Select); coding-DNA position 1747, A replaced by T.
Protein change: p.Lys583Ter; replaces lysine 583 with a stop codon.
Molecular consequence: nonsense.
Genome position (GRCh38, 1-based): chr5:132,591,988, A>T. VCF-style: chr5-132591988-A-T. GRCh37 (hg19) VCF-style: chr5-131927680-A-T.
Other names: short protein forms K583*.
Identifiers: ClinVar variation 3010580 (VCV003010580.3), dbSNP rs1580994940, ClinGen allele CA360946605.

ClinVar aggregate classification (germline): Pathogenic (1 of 4 stars; one submission).

Conditions:
Hereditary cancer-predisposing syndrome. Also called: Hereditary Cancer Syndrome; Neoplastic Syndromes, Hereditary; Tumor predisposition; Hereditary neoplastic syndrome. Identifiers: Orphanet 140162, MedGen C0027672, MeSH D009386, MONDO:0015356.

Submission:

Labcorp Genetics (formerly Invitae), Labcorp
Classification: Pathogenic for Hereditary cancer-predisposing syndrome. Last evaluated: 2023-08-16. Review status: criteria provided, single submitter. Criteria: Invitae Variant Classification Sherloc (09022015). Collection method: clinical testing. Allele origin: germline.
Comment: This variant is not present in population databases (gnomAD no frequency). This sequence change creates a premature translational stop signal (p.Lys583*) in the RAD50 gene. It is expected to result in an absent or disrupted protein product. Loss-of-function variants in RAD50 are known to be pathogenic (PMID: 19409520). For these reasons, this variant has been classified as Pathogenic. This variant has not been reported in the literature in individuals affected with RAD50-related conditions.

Literature cited by the submitters: PubMed 19409520.